The following is an entry in ClinVar:

NM_000536.4(RAG2):c.1095T>C (p.Ser365=)

Gene: RAG2 (recombination activating 2; minus strand). Cytogenetic location: 11p12.
Variant type: single nucleotide variant.
Coding change: c.1095T>C on transcript NM_000536.4 (MANE Select); coding-DNA position 1095, T replaced by C.
Protein change: p.Ser365=; no amino-acid change (serine 365 retained).
Molecular consequence: synonymous variant.
Genome position (GRCh38, 1-based): chr11:36,593,074, A>G on the plus strand (T>C on the coding strand, the complement: RAG2 is on the minus strand). VCF-style: chr11-36593074-A-G. GRCh37 (hg19) VCF-style: chr11-36614624-A-G.
Other names: NM_000536.4(RAG2):c.1095T>C; p.Ser365=; c.1095T>C, p.Ser365= (NM_001243785.2, NM_001243786.2).
Identifiers: ClinVar variation 304552 (VCV000304552.68), dbSNP rs140519815, ClinGen allele CA5950474.

ClinVar aggregate classification (germline): Likely benign. Review status: reviewed by expert panel (3 of 4 stars). 11 submissions from 10 submitters: Likely benign (1). 10 of the submissions do not count toward it. Last evaluated 2023-11-14.

Conditions:
Severe combined immunodeficiency, autosomal recessive, T cell-negative, B cell-negative, NK cell-positive. Also called: Severe combined immunodeficiency due to complete RAG1/2 deficiency; SCID, T CELL-NEGATIVE, B CELL-NEGATIVE, NK CELL-POSITIVE; SCID, AR, T-cell negative, B-cell negative, NK cell-positive. Identifiers: Orphanet 331206, MedGen C1832322, MONDO:0011086, OMIM 601457.
Combined immunodeficiency with skin granulomas. Identifiers: Orphanet 157949, MedGen C2673536, MONDO:0009306, OMIM 233650.
Recombinase activating gene 2 deficiency. Also called: RAG2 deficiency. Identifiers: MedGen CN257931, MONDO:0000573.
Histiocytic medullary reticulosis. Also called: SEVERE COMBINED IMMUNODEFICIENCY WITH HYPEREOSINOPHILIA; Omenn syndrome. Identifiers: Orphanet 39041, MedGen C2700553, MONDO:0011338, OMIM 603554.

Allele frequency attached by ClinVar (database versions not stated): gnomAD exomes 0.00182 and 0.00165; ExAC 0.00202; 1000 Genomes Project 30x 0.00031; 1000 Genomes Project 0.00040; TOPMed 0.00111; gnomAD 0.00133 and 0.00139; ESP Exome Variant Server 0.00177.
gnomAD v4.1: 2,844 of 1,614,116 alleles (0.18%); highest among the groups gnomAD compares: Non-Finnish European, 0.2%; 5 homozygotes.

Submissions (11):

ClinGen Severe Combined Immunodeficiency Variant Curation Expert Panel, ClinGen
Classification: Likely benign for Recombinase activating gene 2 deficiency. Last evaluated: 2023-11-14. Review status: reviewed by expert panel. Criteria: ClinGen SCID ACMG Specifications RAG2 V1.0.0. Collection method: curation. Allele origin: germline. Inheritance: Autosomal recessive inheritance.
Comment: The NM_000536.4:c.1095T>C variant is a synonymous (silent) variant (p.Ser365=) with no predicted splice impact (BP7). This variant has not been reported in the literature in individuals with RAG2-related conditions. The highest population minor allele frequency in gnomAD v2.1.1 is 0.00314 (79/25120) in the Finnish population, which is higher than the ClinGen SCID VCEP's threshold for BS1 (>0.00195). In summary, this variant meets the criteria to be classified as Likely Benign for autosomal recessive SCID based on the ACMG criteria applied BS1 and BP7, as specified by the ClinGen SCID VCEP (VCEP specifications 1).

Labcorp Genetics (formerly Invitae), Labcorp
Classification: Benign for Combined immunodeficiency with skin granulomas; Severe combined immunodeficiency, autosomal recessive, T cell-negative, B cell-negative, NK cell-positive. Last evaluated: 2026-01-28. Review status: criteria provided, single submitter. Criteria: Invitae Variant Classification Sherloc (09022015). Collection method: clinical testing. Allele origin: germline. Not counted in ClinVar's aggregate classification.

CeGaT Center for Human Genetics Tuebingen
Classification: Likely benign. Last evaluated: 2025-02-01. Review status: criteria provided, single submitter. Criteria: CeGaT Center For Human Genetics Tuebingen Variant Classification Criteria Version 2. Collection method: clinical testing. Allele origin: germline. Affected: yes. Observed: 3 variant alleles. Not counted in ClinVar's aggregate classification.
Comment: RAG2: BP4, BS2

Blueprint Genetics
Classification: Likely benign. Last evaluated: 2024-11-26. Review status: criteria provided, single submitter. Criteria: ACMG Guidelines, 2015. Collection method: clinical testing. Allele origin: germline. Not counted in ClinVar's aggregate classification.

ARUP Laboratories, Molecular Genetics and Genomics, ARUP Laboratories
Classification: Likely benign. Last evaluated: 2024-10-30. Review status: criteria provided, single submitter. Criteria: ARUP Molecular Germline Variant Investigation Process 2024. Collection method: clinical testing. Allele origin: germline. Not counted in ClinVar's aggregate classification.

Illumina Laboratory Services, Illumina
Classification: Likely benign for Severe combined immunodeficiency, autosomal recessive, T cell-negative, B cell-negative, NK cell-positive. Last evaluated: 2018-01-13. Review status: criteria provided, single submitter. Criteria: ICSL Variant Classification Criteria 13 December 2019. Collection method: clinical testing. Allele origin: germline. Not counted in ClinVar's aggregate classification.
Comment: This variant was observed in the ICSL laboratory as part of a predisposition screen in an ostensibly healthy population. It had not been previously curated by ICSL or reported in the Human Gene Mutation Database (HGMD: prior to June 1st, 2018), and was therefore a candidate for classification through an automated scoring system. Utilizing variant allele frequency, disease prevalence and penetrance estimates, and inheritance mode, an automated score was calculated to assess if this variant is too frequent to cause the disease. Based on the score and internal cut-off values, a variant classified as likely benign is not then subjected to further curation. The score for this variant resulted in a classification of likely benign for this disease.

Illumina Laboratory Services, Illumina
Classification: Likely benign for Histiocytic medullary reticulosis. Last evaluated: 2018-01-13. Review status: criteria provided, single submitter. Criteria: ICSL Variant Classification Criteria 13 December 2019. Collection method: clinical testing. Allele origin: germline. Not counted in ClinVar's aggregate classification.
Comment: the same text as in the submission from Illumina Laboratory Services, Illumina above.

Breakthrough Genomics
Classification: Likely benign. Review status: criteria provided, single submitter. Criteria: ACMG Guidelines, 2015. Collection method: not provided. Allele origin: germline. Inheritance: Autosomal recessive inheritance. Affected: yes. Not counted in ClinVar's aggregate classification.

Natera, Inc.
Classification: Benign for Omenn syndrome. Last evaluated: 2020-04-13. Review status: no assertion criteria provided. Collection method: clinical testing. Allele origin: germline. Not counted in ClinVar's aggregate classification.

Clinical Genetics DNA and cytogenetics Diagnostics Lab, Erasmus MC, Erasmus Medical Center
Classification: Likely benign. Review status: no assertion criteria provided. Collection method: clinical testing. Allele origin: germline. Affected: yes. Study: VKGL Data-share Consensus. Not counted in ClinVar's aggregate classification.

Genome Diagnostics Laboratory, University Medical Center Utrecht
Classification: Likely benign. Review status: no assertion criteria provided. Collection method: clinical testing. Allele origin: germline. Affected: yes. Study: VKGL Data-share Consensus. Not counted in ClinVar's aggregate classification.